The following is an entry in ClinVar:

NM_024496.4(IRF2BPL):c.283_314del (p.Ala95fs)

Genes: IRF2BPL (interferon regulatory factor 2 binding protein like; minus strand), LOC107984638 (uncharacterized LOC107984638; plus strand). Cytogenetic location: 14q24.3.
Variant type: Deletion.
Coding change: c.283_314del on transcript NM_024496.4 (MANE Select); coding-DNA positions 283 to 314, 32 bases deleted.
Protein change: p.Ala95fs; shifts the reading frame from alanine 95.
Molecular consequence: frameshift variant. On other transcripts: non-coding transcript variant (3).
Genome position (GRCh38, 1-based): chr14:77,027,479-77,027,510, 32 bases deleted; deleting any 32 consecutive bases within chr14:77,027,479-77,027,515 gives the same sequence; the c. name uses the placement nearest the transcript's 3' end. GRCh37 (hg19): chr14:77,493,827-77,493,858.
Other names: short protein forms A95fs.
Identifiers: ClinVar variation 4880823 (VCV004880823.3).

ClinVar aggregate classification (germline): Pathogenic/Likely pathogenic. Review status: criteria provided, multiple submitters, no conflicts (2 of 4 stars). 2 submissions from 2 submitters: Pathogenic (1); Likely pathogenic (1). Last evaluated 2024-12-19.

Conditions:
IRF2BPL-related disorder. Also called: IRF2BPL-related condition. Identifiers: MedGen CN381093.

Submissions (2):

Dasa
Classification: Likely pathogenic. Last evaluated: 2024-12-19. Review status: criteria provided, single submitter. Criteria: DASA Assertion Criteria. Collection method: clinical testing. Allele origin: germline.
Comment: NM_024496.4(IRF2BPL):c.283_314del (p.Ala95Thrfs*27) is a frameshift variant in IRF2BPL predicted to alter the reading frame and introduce a premature termination codon and is predicted to result in an absent or altered protein product. Loss of function is an established disease mechanism for IRF2BPL-associated disorders. Also, this variant is absent from population databases. Based on the currently available evidence, this variant is classified as likely pathogenic.

Blueprint Genetics
Classification: Pathogenic for IRF2BPL-related disorders. Last evaluated: 2023-03-30. Review status: criteria provided, single submitter. Criteria: ACMG Guidelines, 2015. Collection method: clinical testing. Allele origin: germline. Affected: yes. Observed: 2 variant alleles.